The following is an entry in ClinVar:

NM_005619.5(RTN2):c.212G>T (p.Gly71Val)

Genes: OPA3-RTN2 (OPA3-RTN2 readthrough; minus strand), RTN2 (reticulon 2; minus strand). Cytogenetic location: 19q13.32.
Variant type: single nucleotide variant.
Coding change: c.212G>T on transcript NM_005619.5 (MANE Select); coding-DNA position 212, G replaced by T.
Protein change: p.Gly71Val; replaces glycine 71 with valine.
Molecular consequence: missense variant.
Genome position (GRCh38, 1-based): chr19:45,494,873, C>A on the plus strand (G>T on the coding strand, the complement: RTN2 is on the minus strand). VCF-style: chr19-45494873-C-A. GRCh37 (hg19) VCF-style: chr19-45998131-C-A.
Other names: c.212G>T, p.Gly71Val (NM_206900.3); short protein forms G71V.
Identifiers: ClinVar variation 1707642 (VCV001707642.1), dbSNP rs2513743848, ClinGen allele CA406362525.

ClinVar aggregate classification (germline): Uncertain significance (1 of 4 stars; one submission).

Conditions:
Hereditary spastic paraplegia 12 (SPG12). Also called: SPASTIC PARAPLEGIA 12, AUTOSOMAL DOMINANT. Identifiers: Orphanet 100993, MedGen C1858106, MONDO:0011489, OMIM 604805.

Submission:

Breda Genetics srl
Classification: Uncertain significance for Hereditary spastic paraplegia 12. Last evaluated: 2022-08-22. Review status: criteria provided, single submitter. Criteria: ACMG Guidelines, 2015. Collection method: clinical testing. Allele origin: germline. Inheritance: Autosomal dominant inheritance. Affected: yes. Observed: 1 variant allele, 1 heterozygote.
Comment: The variant c.212G>T (p.Gly71Val) in the RTN2 gene has not been reported in dbSNP, gnomAD, 1000 Genomes Project or ClinVar. The nucleotide position is conserved across 35 mammalian species (GERP RS: 4.04). In silico analysis gives inconsistent results.